The following is an entry in ClinVar:

NM_005188.4(CBL):c.929C>G (p.Ala310Gly)

Gene: CBL (Cbl proto-oncogene; plus strand). Cytogenetic location: 11q23.3.
Variant type: single nucleotide variant.
Coding change: c.929C>G on transcript NM_005188.4 (MANE Select); coding-DNA position 929, C replaced by G.
Protein change: p.Ala310Gly; replaces alanine 310 with glycine.
Molecular consequence: missense variant.
Genome position (GRCh38, 1-based): chr11:119,276,056, C>G. VCF-style: chr11-119276056-C-G. GRCh37 (hg19) VCF-style: chr11-119146766-C-G.
Other names: short protein forms A310G.
Identifiers: ClinVar variation 3014982 (VCV003014982.3), dbSNP rs764199611, ClinGen allele CA382911460.

ClinVar aggregate classification (germline): Uncertain significance (1 of 4 stars; one submission).

Conditions:
RASopathy. Also called: rasopathies; Noonan spectrum disorder. Identifiers: Orphanet 536391, MedGen C5555857, MONDO:0021060.

Submission:

Labcorp Genetics (formerly Invitae), Labcorp
Classification: Uncertain significance for RASopathy. Last evaluated: 2023-07-29. Review status: criteria provided, single submitter. Criteria: Invitae Variant Classification Sherloc (09022015). Collection method: clinical testing. Allele origin: germline.
Comment: In summary, the available evidence is currently insufficient to determine the role of this variant in disease. Therefore, it has been classified as a Variant of Uncertain Significance. Advanced modeling of protein sequence and biophysical properties (such as structural, functional, and spatial information, amino acid conservation, physicochemical variation, residue mobility, and thermodynamic stability) performed at Invitae indicates that this missense variant is not expected to disrupt CBL protein function. This variant has not been reported in the literature in individuals affected with CBL-related conditions. This variant is not present in population databases (gnomAD no frequency). This sequence change replaces alanine, which is neutral and non-polar, with glycine, which is neutral and non-polar, at codon 310 of the CBL protein (p.Ala310Gly).